The following is an entry in ClinVar:

NM_006796.3(AFG3L2):c.1289C>T (p.Thr430Ile)

Gene: AFG3L2 (AFG3 like matrix AAA peptidase subunit 2; minus strand). Cytogenetic location: 18p11.21.
Variant type: single nucleotide variant.
Coding change: c.1289C>T on transcript NM_006796.3 (MANE Select); coding-DNA position 1289, C replaced by T.
Protein change: p.Thr430Ile; replaces threonine 430 with isoleucine.
Molecular consequence: missense variant.
Genome position (GRCh38, 1-based): chr18:12,353,034, G>A on the plus strand (C>T on the coding strand, the complement: AFG3L2 is on the minus strand). VCF-style: chr18-12353034-G-A. GRCh37 (hg19) VCF-style: chr18-12353033-G-A.
Other names: short protein forms T430I.
Identifiers: ClinVar variation 973108 (VCV000973108.1), dbSNP rs1908369114, ClinGen allele CA401952767.
Genomic context (GRCh38, chr18:12,353,034, plus strand): 5'-AGTTAAAGATACAAAAGCCTTGACCACTCACCATCCATCTCCACCAGCAGCTGGTTGAGT[G>A]TGTTCTCCTGCTCACTCTGCCCTCCAAAGTTGCCTCTTCCTCTCTTCCTTCCCACCGCAT-3'
Protein context (NP_006787.2, residues 420-440): NFGGQSEQEN[Thr430Ile]LNQLLVEMDG

ClinVar aggregate classification (germline): Pathogenic (0 of 4 stars; one submission).

Conditions:
Optic atrophy. Identifiers: MedGen C0029124, MONDO:0003608, HP:0000648.
Diminished deep tendon reflex. Also called: Reduced tendon reflexes. Identifiers: MedGen C1866934, HP:0001315.

Submission:

Neurogenetics, IRCCS Istituto delle Scienze Neurologiche di Bologna
Classification: Pathogenic for Optic atrophy; Diminished deep tendon reflex. Review status: no assertion criteria provided. Collection method: research. Allele origin: germline. Affected: yes. Observed: 1 variant allele.
Comment: Optic Atrophy 12, OPA12

Literature cited by the submitters: PubMed 32219868.